The following is an entry in ClinVar:

ClinVar aggregate classification (germline): Uncertain significance. Review status: criteria provided, multiple submitters, no conflicts (2 of 4 stars). 2 submissions from 2 submitters: Uncertain significance (2). Last evaluated 2025-08-25.

Conditions:
TWNK-related disorder. Also called: TWNK-related condition.

Allele frequency attached by ClinVar (database versions not stated): TOPMed 0.00006; gnomAD 0.00006.

Submissions (2):

Labcorp Genetics (formerly Invitae), Labcorp
Classification: Uncertain significance. Last evaluated: 2025-08-25. Review status: criteria provided, single submitter. Criteria: Invitae Variant Classification Sherloc (09022015). Collection method: clinical testing. Allele origin: germline.
Comment: This sequence change replaces threonine, which is neutral and polar, with serine, which is neutral and polar, at codon 183 of the TWNK protein (p.Thr183Ser). This variant is present in population databases (rs755275071, gnomAD 0.02%). This variant has not been reported in the literature in individuals affected with TWNK-related conditions. ClinVar contains an entry for this variant (Variation ID: 1449242). Invitae Evidence Modeling of protein sequence and biophysical properties (such as structural, functional, and spatial information, amino acid conservation, physicochemical variation, residue mobility, and thermodynamic stability) indicates that this missense variant is not expected to disrupt TWNK protein function with a negative predictive value of 95%. In summary, the available evidence is currently insufficient to determine the role of this variant in disease. Therefore, it has been classified as a Variant of Uncertain Significance.

PreventionGenetics, part of Exact Sciences
Classification: Uncertain significance for TWNK-related condition. Last evaluated: 2025-08-07. Review status: criteria provided, single submitter. Criteria: ACMG Guidelines, 2015. Collection method: clinical testing. Allele origin: germline.
Comment: The TWNK c.548C>G variant is predicted to result in the amino acid substitution p.Thr183Ser. To our knowledge, this variant has not been reported in the literature. This variant is present in 0.020% of alleles in individuals of Latino descent in gnomAD. At this time, the clinical significance of this variant is uncertain due to the absence of conclusive functional and genetic evidence.

NM_021830.5(TWNK):c.548C>G (p.Thr183Ser)

Gene: TWNK (twinkle mtDNA helicase; plus strand). Cytogenetic location: 10q24.31.
Variant type: single nucleotide variant.
Coding change: c.548C>G on transcript NM_021830.5 (MANE Select); coding-DNA position 548, C replaced by G.
Protein change: p.Thr183Ser; replaces threonine 183 with serine.
Molecular consequence: missense variant. On other transcripts: non-coding transcript variant (4), intron variant (3).
Genome position (GRCh38, 1-based): chr10:100,988,758, C>G. VCF-style: chr10-100988758-C-G. GRCh37 (hg19) VCF-style: chr10-102748515-C-G.
Other names: c.548C>G (NM_021830.4); c.548C>G, p.Thr183Ser (NM_001163812.2); c.-119-886C>G (NM_001163814.2, NM_001163813.2); c.-57-948C>G (NM_001368275.1); short protein forms T183S.
Identifiers: ClinVar variation 1449242 (VCV001449242.9), dbSNP rs755275071, ClinGen allele CA5653082.